The following is an entry in ClinVar:

ClinVar aggregate classification (germline): Uncertain significance (1 of 4 stars; one submission).

Submission:

Greenwood Genetic Center Diagnostic Laboratories, Greenwood Genetic Center
Classification: Uncertain significance. Last evaluated: 2025-06-26. Review status: criteria provided, single submitter. Criteria: ACMG Guidelines, 2015. Collection method: clinical testing. Allele origin: germline. Affected: yes.
Comment: PM2, PM4

NM_004187.5(KDM5C):c.4634_4636dup (p.Pro1545_Arg1546insPro)

Gene: KDM5C (lysine demethylase 5C; minus strand). Cytogenetic location: Xp11.22.
Variant type: Duplication.
Coding change: c.4634_4636dup on transcript NM_004187.5 (MANE Select); coding-DNA positions 4634 to 4636, 3 bases duplicated (CCC; older notation c.4634_4636dupCCC).
Protein change: p.Pro1545_Arg1546insPro.
Molecular consequence: intron variant (on NM_001353982.2).
Genome position (GRCh38, 1-based): chrX:53,193,014-53,193,016, GGG duplicated on the plus strand (CCC on the coding strand, the reverse complement: KDM5C is on the minus strand); duplicating any 3 consecutive bases within chrX:53,193,014-53,193,017 gives the same sequence; the c. name uses the placement nearest the transcript's 3' end. VCF-style (leftmost placement, unchanged base first): chrX-53193013-C-CGGG. GRCh37 (hg19) VCF-style: chrX-53222195-C-CGGG.
Other names: c.4631_4633dup, p.Pro1544_Arg1545insPro (NM_001282622.3); c.4625_4627dup, p.Pro1542_Arg1543insPro (NM_001353978.3); c.4305+421_4305+423dup (NM_001353982.2); c.4314+421_4314+423dup (NM_001353979.2); c.4308+421_4308+423dup (NM_001353981.2, NM_001353984.2); c.4047-179_4047-177dup (NM_001146702.2).
Identifiers: ClinVar variation 4538338 (VCV004538338.1).
Genomic context (GRCh38, chrX:53,193,013, plus strand): 5'-AGGCTCAGCCACTGTCACAACTGTTGCTGAGGCGGCTGCTGTGGGCAGGGCAGATGCAGC[C>CGGG]GGGGAGTCAGAGTGGAGAAAGGGGCCGAGGGGCCTGAAGTGGTCCCTTCCGCCGGTTCCA-3'